The following is an entry in ClinVar:

NM_018668.5(VPS33B):c.1520G>A (p.Arg507Gln)

Gene: VPS33B (VPS33B late endosome and lysosome associated; minus strand). Cytogenetic location: 15q26.1.
Variant type: single nucleotide variant.
Coding change: c.1520G>A on transcript NM_018668.5 (MANE Select); coding-DNA position 1520, G replaced by A.
Protein change: p.Arg507Gln; replaces arginine 507 with glutamine.
Molecular consequence: missense variant.
Genome position (GRCh38, 1-based): chr15:91,000,551, C>T on the plus strand (G>A on the coding strand, the complement: VPS33B is on the minus strand). VCF-style: chr15-91000551-C-T. GRCh37 (hg19) VCF-style: chr15-91543781-C-T.
Other names: p.Arg507Gln; c.1439G>A, p.Arg480Gln (NM_001289148.1); c.1247G>A, p.Arg416Gln (NM_001289149.1); c.1520G>A (NM_018668.3); short protein forms R416Q, R480Q, R507Q.
Identifiers: ClinVar variation 1905611 (VCV001905611.7), dbSNP rs772096296, ClinGen allele CA7744607.

ClinVar aggregate classification (germline): Uncertain significance. Review status: criteria provided, multiple submitters, no conflicts (2 of 4 stars). 4 submissions from 4 submitters: Uncertain significance (4). Last evaluated 2025-08-30.

Conditions:
Inborn genetic diseases. Identifiers: MedGen C0950123, MeSH D030342.
Arthrogryposis, renal dysfunction, and cholestasis 1 (ARCS1). Identifiers: Orphanet 2697, MedGen C1859722, MONDO:0008822, OMIM 208085.
Keratoderma-ichthyosis-deafness syndrome, autosomal recessive (KDIDAR). Identifiers: MedGen C5774200, MONDO:0859278, OMIM 620009.
Cholestasis, progressive familial intrahepatic, 12 (PFIC12). Also called: CHOLESTASIS, ISOLATED LOW-GGT. Identifiers: MedGen C5774311, MONDO:0031040, OMIM 620010.

Allele frequency attached by ClinVar (database versions not stated): gnomAD exomes 0.00001; ExAC 0.00002; gnomAD 0.00002; TOPMed 0.00003.
gnomAD v4.1: 16 of 1,613,410 alleles (0.00099%); highest among the groups gnomAD compares: African/African-American, 0.008%; no homozygotes.

Submissions (4):

Ambry Genetics
Classification: Uncertain significance for Inborn genetic diseases. Last evaluated: 2025-08-30. Review status: criteria provided, single submitter. Criteria: Ambry Variant Classification Scheme 2023. Collection method: clinical testing. Allele origin: germline.

Mayo Clinic Laboratories, Mayo Clinic
Classification: Uncertain significance. Last evaluated: 2024-06-18. Review status: criteria provided, single submitter. Criteria: ACMG Guidelines, 2015. Collection method: clinical testing. Allele origin: germline. Observed: 1 variant allele.
Comment: PM1_supporting

Fulgent Genetics
Classification: Uncertain significance for Arthrogryposis, renal dysfunction, and cholestasis 1; Keratoderma-ichthyosis-deafness syndrome, autosomal recessive; Cholestasis, progressive familial intrahepatic, 12. Last evaluated: 2024-01-13. Review status: criteria provided, single submitter. Criteria: ACMG Guidelines, 2015. Collection method: clinical testing. Allele origin: germline.

Labcorp Genetics (formerly Invitae), Labcorp
Classification: Uncertain significance. Last evaluated: 2022-06-08. Review status: criteria provided, single submitter. Criteria: Invitae Variant Classification Sherloc (09022015). Collection method: clinical testing. Allele origin: germline.
Comment: This variant is present in population databases (rs772096296, gnomAD 0.01%). This sequence change replaces arginine, which is basic and polar, with glutamine, which is neutral and polar, at codon 507 of the VPS33B protein (p.Arg507Gln). This variant has not been reported in the literature in individuals affected with VPS33B-related conditions. In summary, the available evidence is currently insufficient to determine the role of this variant in disease. Therefore, it has been classified as a Variant of Uncertain Significance. Algorithms developed to predict the effect of missense changes on protein structure and function are either unavailable or do not agree on the potential impact of this missense change (SIFT: "Not Available"; PolyPhen-2: "Benign"; Align-GVGD: "Not Available").